The following is an entry in ClinVar:

ClinVar aggregate classification (germline): Uncertain significance. Review status: criteria provided, multiple submitters, no conflicts (2 of 4 stars). 2 submissions from 2 submitters: Uncertain significance (2). Last evaluated 2025-03-17.

Conditions:
Hereditary cancer-predisposing syndrome. Also called: Tumor predisposition; Hereditary Cancer Syndrome; Hereditary neoplastic syndrome; Neoplastic Syndromes, Hereditary. Identifiers: Orphanet 140162, MedGen C0027672, MeSH D009386, MONDO:0015356.
Hereditary pheochromocytoma and paraganglioma. Also called: Hereditary paragangliomas and pheochromocytomas; Hereditary Paraganglioma-Pheochromocytoma Syndromes; Hereditary pheochromocytoma-paraganglioma. Identifiers: Orphanet 29072, MedGen C4274332, MONDO:0017366.

Submissions (2):

Ambry Genetics
Classification: Uncertain significance for Hereditary cancer-predisposing syndrome. Last evaluated: 2025-03-17. Review status: criteria provided, single submitter. Criteria: Ambry Variant Classification Scheme 2023. Collection method: clinical testing. Allele origin: germline.
Comment: The p.R29H variant (also known as c.86G>A), located in coding exon 1 of the TMEM127 gene, results from a G to A substitution at nucleotide position 86. The arginine at codon 29 is replaced by histidine, an amino acid with highly similar properties. This amino acid position is highly conserved in available vertebrate species. In addition, this alteration is predicted to be deleterious by in silico analysis. Based on the available evidence, the clinical significance of this variant remains unclear.

Labcorp Genetics (formerly Invitae), Labcorp
Classification: Uncertain significance for Hereditary pheochromocytoma and paraganglioma. Last evaluated: 2021-12-23. Review status: criteria provided, single submitter. Criteria: Invitae Variant Classification Sherloc (09022015). Collection method: clinical testing. Allele origin: germline.
Comment: In summary, the available evidence is currently insufficient to determine the role of this variant in disease. Therefore, it has been classified as a Variant of Uncertain Significance. This variant is not present in population databases (gnomAD no frequency). This variant has not been reported in the literature in individuals affected with TMEM127-related conditions. Algorithms developed to predict the effect of missense changes on protein structure and function are either unavailable or do not agree on the potential impact of this missense change (SIFT: "Deleterious"; PolyPhen-2: "Benign"; Align-GVGD: "Class C0"). This sequence change replaces arginine, which is basic and polar, with histidine, which is basic and polar, at codon 29 of the TMEM127 protein (p.Arg29His).

NM_017849.4(TMEM127):c.86G>A (p.Arg29His)

Genes: TMEM127 (transmembrane protein 127; minus strand), LOC129934333 (ATAC-STARR-seq lymphoblastoid silent region 11759; plus strand). Cytogenetic location: 2q11.2.
Variant type: single nucleotide variant.
Coding change: c.86G>A on transcript NM_017849.4 (MANE Select); coding-DNA position 86, G replaced by A.
Protein change: p.Arg29His; replaces arginine 29 with histidine.
Molecular consequence: missense variant.
Genome position (GRCh38, 1-based): chr2:96,265,296, C>T on the plus strand (G>A on the coding strand, the complement: TMEM127 is on the minus strand). VCF-style: chr2-96265296-C-T. GRCh37 (hg19) VCF-style: chr2-96931034-C-T.
Other names: c.86G>A, p.Arg29His (NM_001193304.3); short protein forms R29H.
Identifiers: ClinVar variation 1764360 (VCV001764360.8), dbSNP rs1649983150, ClinGen allele CA347656141.